The following is an entry in ClinVar:

NM_153676.4(USH1C):c.1824G>C (p.Pro608=)

Gene: USH1C (USH1 protein network component harmonin; minus strand). Cytogenetic location: 11p15.1.
Variant type: single nucleotide variant.
Coding change: c.1824G>C on transcript NM_153676.4 (MANE Select); coding-DNA position 1824, G replaced by C.
Protein change: p.Pro608=; no amino-acid change (proline 608 retained).
Molecular consequence: synonymous variant. On other transcripts: intron variant (2).
Genome position (GRCh38, 1-based): chr11:17,509,545, C>G on the plus strand (G>C on the coding strand, the complement: USH1C is on the minus strand). VCF-style: chr11-17509545-C-G. GRCh37 (hg19) VCF-style: chr11-17531092-C-G.
Other names: c.1228-7565G>C (NM_001297764.2); c.1285-7565G>C (NM_005709.4).
Identifiers: ClinVar variation 516266 (VCV000516266.1), dbSNP rs201101932, ClinGen allele CA5904428.

ClinVar aggregate classification (germline): Likely benign (1 of 4 stars; one submission).

Submission:

GeneDx
Classification: Likely benign. Last evaluated: 2017-12-19. Review status: criteria provided, single submitter. Criteria: GeneDx Variant Classification (06012015). Collection method: clinical testing. Allele origin: germline. Affected: yes.
Comment: This variant is considered likely benign or benign based on one or more of the following criteria: it is a conservative change, it occurs at a poorly conserved position in the protein, it is predicted to be benign by multiple in silico algorithms, and/or has population frequency not consistent with disease.